The following is an entry in ClinVar:

ClinVar aggregate classification (germline): Uncertain significance (1 of 4 stars; one submission).

Submission:

Labcorp Genetics (formerly Invitae), Labcorp
Classification: Uncertain significance. Last evaluated: 2022-03-26. Review status: criteria provided, single submitter. Criteria: Invitae Variant Classification Sherloc (09022015). Collection method: clinical testing. Allele origin: germline.
Comment: In summary, the available evidence is currently insufficient to determine the role of this variant in disease. Therefore, it has been classified as a Variant of Uncertain Significance. Advanced modeling of protein sequence and biophysical properties (such as structural, functional, and spatial information, amino acid conservation, physicochemical variation, residue mobility, and thermodynamic stability) performed at Invitae indicates that this missense variant is not expected to disrupt COL11A2 protein function. This variant has not been reported in the literature in individuals affected with COL11A2-related conditions. This variant is not present in population databases (gnomAD no frequency). This sequence change replaces proline, which is neutral and non-polar, with leucine, which is neutral and non-polar, at codon 783 of the COL11A2 protein (p.Pro783Leu).

NM_080680.3(COL11A2):c.2348C>T (p.Pro783Leu)

Gene: COL11A2 (collagen type XI alpha 2 chain; minus strand). Cytogenetic location: 6p21.32.
Variant type: single nucleotide variant.
Coding change: c.2348C>T on transcript NM_080680.3 (MANE Select); coding-DNA position 2348, C replaced by T.
Protein change: p.Pro783Leu; replaces proline 783 with leucine.
Molecular consequence: missense variant.
Genome position (GRCh38, 1-based): chr6:33,175,602, G>A on the plus strand (C>T on the coding strand, the complement: COL11A2 is on the minus strand). VCF-style: chr6-33175602-G-A. GRCh37 (hg19) VCF-style: chr6-33143379-G-A.
Other names: c.2027C>T, p.Pro676Leu (NM_080679.3); c.2090C>T, p.Pro697Leu (NM_080681.3); short protein forms P697L, P676L, P783L.
Identifiers: ClinVar variation 1991357 (VCV001991357.4), dbSNP rs1204370356, ClinGen allele CA363646621.